The following is an entry in ClinVar:

ClinVar aggregate classification (germline): Uncertain significance (1 of 4 stars; one submission).

Conditions:
Tuberous sclerosis 2 (TSC2). Identifiers: Orphanet 805, MedGen C1860707, MONDO:0013199, OMIM 613254.

Submission:

Labcorp Genetics (formerly Invitae), Labcorp
Classification: Uncertain significance for Tuberous sclerosis 2. Last evaluated: 2023-11-17. Review status: criteria provided, single submitter. Criteria: Invitae Variant Classification Sherloc (09022015). Collection method: clinical testing. Allele origin: germline.
Comment: This sequence change replaces glycine, which is neutral and non-polar, with tryptophan, which is neutral and slightly polar, at codon 1123 of the TSC2 protein (p.Gly1123Trp). This variant is not present in population databases (gnomAD no frequency). This missense change has been observed in individual(s) with tuberous sclerosis complex (PMID: 30036593). Advanced modeling of protein sequence and biophysical properties (such as structural, functional, and spatial information, amino acid conservation, physicochemical variation, residue mobility, and thermodynamic stability) performed at Invitae indicates that this missense variant is not expected to disrupt TSC2 protein function with a negative predictive value of 95%. In summary, the available evidence is currently insufficient to determine the role of this variant in disease. Therefore, it has been classified as a Variant of Uncertain Significance.

Literature cited by the submitters: PubMed 30036593.

NM_000548.5(TSC2):c.3367G>T (p.Gly1123Trp)

Gene: TSC2 (TSC complex subunit 2; plus strand). Cytogenetic location: 16p13.3.
Variant type: single nucleotide variant.
Coding change: c.3367G>T on transcript NM_000548.5 (MANE Select); coding-DNA position 3367, G replaced by T.
Protein change: p.Gly1123Trp; replaces glycine 1123 with tryptophan.
Molecular consequence: missense variant. On other transcripts: non-coding transcript variant (5).
Genome position (GRCh38, 1-based): chr16:2,079,639, G>T. VCF-style: chr16-2079639-G-T. GRCh37 (hg19) VCF-style: chr16-2129640-G-T.
Other names: c.3235G>T, p.Gly1079Trp (NM_001077183.3, NM_001370404.1, NM_001406665.1); c.3367G>T, p.Gly1123Trp (NM_001114382.3); c.3127G>T, p.Gly1043Trp (NM_001318827.2); c.3091G>T, p.Gly1031Trp (NM_001318829.2); c.2635G>T, p.Gly879Trp (NM_001318831.2, NM_001406687.1, NM_001406688.1); c.3268G>T, p.Gly1090Trp (NM_001318832.2); c.3238G>T, p.Gly1080Trp (NM_001363528.2, NM_001370405.1, NM_021055.3); c.3364G>T, p.Gly1122Trp (NM_001406663.1, NM_001406664.1); and 18 more; short protein forms G1042W, G1075W, G1080W, G1122W, G1030W, G1031W, G1076W, G1086W.
Identifiers: ClinVar variation 2825143 (VCV002825143.3), dbSNP rs2544070094, ClinGen allele CA394286677.